The following is an entry in ClinVar:

NM_003124.5(SPR):c.1A>C (p.Met1Leu)

Genes: SPR (sepiapterin reductase; plus strand), LOC129934069 (ATAC-STARR-seq lymphoblastoid silent region 11626; plus strand). Cytogenetic location: 2p13.2.
Variant type: single nucleotide variant.
Coding change: c.1A>C on transcript NM_003124.5 (MANE Select); coding-DNA position 1, A replaced by C.
Protein change: p.Met1Leu; changes the start codon (methionine 1).
Molecular consequence: missense variant, initiator codon variant.
Genome position (GRCh38, 1-based): chr2:72,887,433, A>C. VCF-style: chr2-72887433-A-C. GRCh37 (hg19) VCF-style: chr2-73114562-A-C.
Other names: c.1A>C (NM_003124.4); short protein forms M1L.
Identifiers: ClinVar variation 1698420 (VCV001698420.4), dbSNP rs758245029, ClinGen allele CA347230328.
Genomic context (GRCh38, chr2:72,887,433, plus strand): 5'-GCGGCCGCACCGCCTCCTGCCTGGTCTCGGGTGCCAGCGCCGCCGGCGGAGAACAGGAGC[A>C]TGGAGGGCGGGCTGGGGCGTGCTGTGTGCTTGCTGACCGGGGCCTCCCGCGGCTTCGGCC-3'
Protein context (NP_003115.1, residues 1-11): [Met1Leu]EGGLGRAVCL

ClinVar aggregate classification (germline): Likely pathogenic. Review status: criteria provided, multiple submitters, no conflicts (2 of 4 stars). 2 submissions from 2 submitters: Likely pathogenic (2). Last evaluated 2025-09-30.

Conditions:
Dopa-responsive dystonia due to sepiapterin reductase deficiency. Also called: DYT-SPR; SPR DEFICIENCY; Sepiapterin reductase deficiency. Identifiers: Orphanet 70594, MedGen C0268468, MONDO:0012994, OMIM 612716.

Submissions (2):

GeneDx
Classification: Likely pathogenic. Last evaluated: 2025-09-30. Review status: criteria provided, single submitter. Criteria: GeneDx Variant Classification Process June 2021. Collection method: clinical testing. Allele origin: germline.
Comment: Observed in heterozygous state in a patient with cervical dystonia and tremor (PMID: 38845987); Initiation codon variant in a gene for which loss of function is a known mechanism of disease; Not observed at significant frequency in large population cohorts (gnomAD); This variant is associated with the following publications: (PMID: 38845987)

Department of Neurology, Xijing Hospital, Fourth Military Medical University
Classification: Likely pathogenic for Dopa-responsive dystonia due to sepiapterin reductase deficiency. Last evaluated: 2022-03-01. Review status: criteria provided, single submitter. Criteria: ACMG Guidelines, 2015. Collection method: clinical testing. Allele origin: germline.